The following is an entry in ClinVar:

ClinVar aggregate classification (germline): Likely benign. Review status: criteria provided, single submitter (1 of 4 stars). 2 submissions from 2 submitters: Likely benign (1). 1 of the submissions does not count toward it. Last evaluated 2025-12-25.

Conditions:
PIEZO1-related disorder. Also called: PIEZO1-Related Disorders; PIEZO1-related condition.

Allele frequency attached by ClinVar (database versions not stated): gnomAD 0.00004 and 0.00005; gnomAD exomes 0.00005; TOPMed 0.00005.

Submissions (2):

Labcorp Genetics (formerly Invitae), Labcorp
Classification: Likely benign. Last evaluated: 2025-12-25. Review status: criteria provided, single submitter. Criteria: Invitae Variant Classification Sherloc (09022015). Collection method: clinical testing. Allele origin: germline.

PreventionGenetics, part of Exact Sciences
Classification: Likely benign for PIEZO1-related condition. Last evaluated: 2019-05-21. Review status: no assertion criteria provided. Collection method: clinical testing. Allele origin: germline. Not counted in ClinVar's aggregate classification.
Comment: This variant is classified as likely benign based on ACMG/AMP sequence variant interpretation guidelines (Richards et al. 2015 PMID: 25741868, with internal and published modifications).

NM_001142864.4(PIEZO1):c.4023G>A (p.Arg1341=)

Gene: PIEZO1 (piezo type mechanosensitive ion channel component 1 (Er blood group); minus strand). Cytogenetic location: 16q24.3.
Variant type: single nucleotide variant.
Coding change: c.4023G>A on transcript NM_001142864.4 (MANE Select); coding-DNA position 4023, G replaced by A.
Protein change: p.Arg1341=; no amino-acid change (arginine 1341 retained).
Molecular consequence: synonymous variant.
Genome position (GRCh38, 1-based): chr16:88,725,630, C>T on the plus strand (G>A on the coding strand, the complement: PIEZO1 is on the minus strand). VCF-style: chr16-88725630-C-T. GRCh37 (hg19) VCF-style: chr16-88792038-C-T.
Identifiers: ClinVar variation 750214 (VCV000750214.9), dbSNP rs538208781, ClinGen allele CA286412954.